The following is an entry in ClinVar:

ClinVar aggregate classification (germline): Likely benign (1 of 4 stars; one submission).

Conditions:
Hereditary angioedema type 3 (HAE3). Also called: ANGIONEUROTIC EDEMA, HEREDITARY, WITH NORMAL C1 INHIBITOR CONCENTRATION AND FUNCTION; ESTROGEN-RELATED HAE; ESTROGEN-SENSITIVE HAE; HAE WITH NORMAL C1 INHIBITOR CONCENTRATION AND FUNCTION. Identifiers: Orphanet 100054, MedGen C1857728, MONDO:0012526, OMIM 610618.

Allele frequency attached by ClinVar (database versions not stated): 1000 Genomes Project 30x 0.00031; ESP Exome Variant Server 0.00031; TOPMed 0.00038; 1000 Genomes Project 0.00040.
gnomAD v4.1: 113 of 1,602,654 alleles (0.0071%); highest among the groups gnomAD compares: African/African-American, 0.092%; no homozygotes.

Submission:

Illumina Laboratory Services, Illumina
Classification: Likely benign for Hereditary angioedema type 3. Last evaluated: 2018-01-13. Review status: criteria provided, single submitter. Criteria: ICSL Variant Classification Criteria 13 December 2019. Collection method: clinical testing. Allele origin: germline.
Comment: This variant was observed in the ICSL laboratory as part of a predisposition screen in an ostensibly healthy population. It had not been previously curated by ICSL or reported in the Human Gene Mutation Database (HGMD: prior to June 1st, 2018), and was therefore a candidate for classification through an automated scoring system. Utilizing variant allele frequency, disease prevalence and penetrance estimates, and inheritance mode, an automated score was calculated to assess if this variant is too frequent to cause the disease. Based on the score and internal cut-off values, a variant classified as likely benign is not then subjected to further curation. The score for this variant resulted in a classification of likely benign for this disease.

NM_000505.4(F12):c.1251-7C>T

Gene: F12 (coagulation factor XII; minus strand). Cytogenetic location: 5q35.3.
Variant type: single nucleotide variant.
Coding change: c.1251-7C>T on transcript NM_000505.4 (MANE Select); 7 bases into the intron before coding-DNA position 1251, C replaced by T.
Molecular consequence: intron variant.
Genome position (GRCh38, 1-based): chr5:177,403,624, G>A on the plus strand (C>T on the coding strand, the complement: F12 is on the minus strand). VCF-style: chr5-177403624-G-A. GRCh37 (hg19) VCF-style: chr5-176830625-G-A.
Identifiers: ClinVar variation 352989 (VCV000352989.6), dbSNP rs375340260, ClinGen allele CA3581217.
Genomic context (GRCh38, chr5:177,403,624, plus strand): 5'-CTGTGGTTACGGCGTTCCTGGCCGAGCACCACCGTCAGATCCTCGGGTGCGGGCCTGCGG[G>A]GGGGGTAGGGGAGAGGCAGCGCTCTCAGACCTGGCCACAAGCGTTCTGGGGAAGCCCCCT-3'